The following is an entry in ClinVar:

NM_002292.4(LAMB2):c.661G>A (p.Val221Met)

Gene: LAMB2 (laminin subunit beta 2; minus strand). Cytogenetic location: 3p21.31.
Variant type: single nucleotide variant.
Coding change: c.661G>A on transcript NM_002292.4 (MANE Select); coding-DNA position 661, G replaced by A.
Protein change: p.Val221Met; replaces valine 221 with methionine.
Molecular consequence: missense variant.
Genome position (GRCh38, 1-based): chr3:49,131,430, C>T on the plus strand (G>A on the coding strand, the complement: LAMB2 is on the minus strand). VCF-style: chr3-49131430-C-T. GRCh37 (hg19) VCF-style: chr3-49168863-C-T.
Other names: short protein forms V221M.
Identifiers: ClinVar variation 571458 (VCV000571458.6), dbSNP rs748711014, ClinGen allele CA2394853.

ClinVar aggregate classification (germline): Uncertain significance. Review status: criteria provided, multiple submitters, no conflicts (2 of 4 stars). 3 submissions from 3 submitters: Uncertain significance (3). Last evaluated 2024-11-14.

Conditions:
Pierson syndrome. Also called: MICROCORIA-CONGENITAL NEPHROTIC SYNDROME. Identifiers: Orphanet 2670, MedGen C1836876, MONDO:0012184, OMIM 609049.
LAMB2-related infantile-onset nephrotic syndrome. Also called: NEPHROTIC SYNDROME, TYPE 5, WITHOUT OCULAR ABNORMALITIES; NEPHROTIC SYNDROME, TYPE 5, WITH OCULAR ABNORMALITIES; Nephrotic Syndrome, type 5. Identifiers: Orphanet 306507, MedGen C3280113, MONDO:0013621, OMIM 614199.

Allele frequency attached by ClinVar (database versions not stated): TOPMed 0.00002; ExAC 0.00003; gnomAD 0.00003.

Submissions (3):

Blueprint Genetics
Classification: Uncertain significance. Last evaluated: 2024-11-14. Review status: criteria provided, single submitter. Criteria: ACMG Guidelines, 2015. Collection method: clinical testing. Allele origin: germline.

Fulgent Genetics
Classification: Uncertain significance for Pierson syndrome; LAMB2-related infantile-onset nephrotic syndrome. Last evaluated: 2024-06-01. Review status: criteria provided, single submitter. Criteria: ACMG Guidelines, 2015. Collection method: clinical testing. Allele origin: germline.

Labcorp Genetics (formerly Invitae), Labcorp
Classification: Uncertain significance for LAMB2-related infantile-onset nephrotic syndrome; Pierson syndrome. Last evaluated: 2021-11-05. Review status: criteria provided, single submitter. Criteria: Invitae Variant Classification Sherloc (09022015). Collection method: clinical testing. Allele origin: germline.
Comment: This sequence change replaces valine, which is neutral and non-polar, with methionine, which is neutral and non-polar, at codon 221 of the LAMB2 protein (p.Val221Met). This variant is present in population databases (rs748711014, gnomAD 0.01%). This variant has not been reported in the literature in individuals affected with LAMB2-related conditions. ClinVar contains an entry for this variant (Variation ID: 571458). Algorithms developed to predict the effect of missense changes on protein structure and function are either unavailable or do not agree on the potential impact of this missense change (SIFT: "Deleterious"; PolyPhen-2: "Probably Damaging"; Align-GVGD: "Class C0"). In summary, the available evidence is currently insufficient to determine the role of this variant in disease. Therefore, it has been classified as a Variant of Uncertain Significance.